The following is an entry in ClinVar:

ClinVar aggregate classification (germline): Pathogenic. Review status: criteria provided, multiple submitters, no conflicts (2 of 4 stars). 4 submissions from 4 submitters: Pathogenic (4). Last evaluated 2022-07-21.

Conditions:
L2HGDH-related disorders.
L-2-hydroxyglutaric aciduria (L2HGA). Identifiers: Orphanet 79314, MedGen C1855995, MONDO:0009370, OMIM 236792, HP:0040144.

Allele frequency attached by ClinVar (database versions not stated): ExAC 0.00001; gnomAD exomes 0.00001.

Submissions (4):

GeneDx
Classification: Pathogenic. Last evaluated: 2022-07-21. Review status: criteria provided, single submitter. Criteria: GeneDx Variant Classification Process June 2021. Collection method: clinical testing. Allele origin: germline. Affected: yes.
Comment: Nonsense variant predicted to result in protein truncation or nonsense mediated decay in a gene for which loss-of-function is a known mechanism of disease; Not observed at significant frequency in large population cohorts (gnomAD); This variant is associated with the following publications: (PMID: 25525159, 20052767)

Labcorp Genetics (formerly Invitae), Labcorp
Classification: Pathogenic for L-2-hydroxyglutaric aciduria. Last evaluated: 2022-01-14. Review status: criteria provided, single submitter. Criteria: Invitae Variant Classification Sherloc (09022015). Collection method: clinical testing. Allele origin: germline.
Comment: This sequence change creates a premature translational stop signal (p.Arg277*) in the L2HGDH gene. It is expected to result in an absent or disrupted protein product. Loss-of-function variants in L2HGDH are known to be pathogenic (PMID: 16134148, 20052767). This variant is present in population databases (rs752025180, gnomAD 0.002%). This premature translational stop signal has been observed in individual(s) with L-2-hydroxyglutaric aciduria (PMID: 20052767). ClinVar contains an entry for this variant (Variation ID: 863865). For these reasons, this variant has been classified as Pathogenic.

Blueprint Genetics
Classification: Pathogenic for L2HGDH-related disorders. Last evaluated: 2020-02-13. Review status: criteria provided, single submitter. Criteria: ACMG Guidelines, 2015. Collection method: clinical testing. Allele origin: germline. Affected: yes. Observed: 3 variant alleles.

Neuberg Centre For Genomic Medicine, NCGM
Classification: Pathogenic for L-2-hydroxyglutaric aciduria. Review status: criteria provided, single submitter. Criteria: ACMG Guidelines, 2015. Collection method: clinical testing. Allele origin: germline. Inheritance: Autosomal recessive inheritance. Affected: yes.
Comment: The stop gained variant c.829C>T (p.Arg277Ter) in L2HGDH gene has been observed in an individual affected with L-2-hydroxyglutaric aciduria (Steenweg ME et.al.,2010).This variant has been reported to the ClinVar database as Pathogenic. The c.829C>T variant is novel (not in any individuals) in 1000 Genomes and allele frequency of 0.0007955% is reported in gnomAD. The nucleotide change c.829C>T in L2HGDH is predicted as conserved by GERP++ and PhyloP across 100 vertebrates. This variant is predicted to cause loss of normal protein function. Loss of function variants have been previously reported to be disease causing. For these reasons, this variant has been classified as Pathogenic.

Literature cited by the submitters: PubMed 16134148 (cited by Labcorp Genetics (formerly Invitae), Labcorp); PubMed 20052767 (cited by Labcorp Genetics (formerly Invitae), Labcorp).

NM_024884.3(L2HGDH):c.829C>T (p.Arg277Ter)

Gene: L2HGDH (L-2-hydroxyglutarate dehydrogenase; minus strand). Cytogenetic location: 14q21.3.
Variant type: single nucleotide variant.
Coding change: c.829C>T on transcript NM_024884.3 (MANE Select); coding-DNA position 829, C replaced by T.
Protein change: p.Arg277Ter; replaces arginine 277 with a stop codon.
Molecular consequence: nonsense.
Genome position (GRCh38, 1-based): chr14:50,269,240, G>A on the plus strand (C>T on the coding strand, the complement: L2HGDH is on the minus strand). VCF-style: chr14-50269240-G-A. GRCh37 (hg19) VCF-style: chr14-50735958-G-A.
Other names: short protein forms R277*.
Identifiers: ClinVar variation 863865 (VCV000863865.13), dbSNP rs752025180, ClinGen allele CA7177879.
Genomic context (GRCh38, chr14:50,269,240, plus strand): 5'-TTACAAGATAACATTTTTCTGGCTTCAAAAGCAGGTAATCTCCCCGGAATGGTACAATTC[G>A]AGGATCAGGAGTGCAGCCACTCAACTCTGAAATACGGTCTGAGTAAAGTCCTGCACATGT-3'